The following continues an entry in ClinVar:

NM_000059.4(BRCA2):c.1813dup (p.Ile605fs)

Gene: BRCA2. ClinVar aggregate classification (germline): Pathogenic. Pathogenic (1). ClinVar aggregate classification (oncogenicity): Oncogenic.

Submissions 36 to 55 of 63:

GeneDx
Classification: Pathogenic. Last evaluated: 2020-06-09. Review status: criteria provided, single submitter. Criteria: GeneDx Variant Classification Process June 2021. Collection method: clinical testing. Allele origin: germline. Affected: yes. Not counted in ClinVar's aggregate classification.
Comment: Frameshift variant predicted to result in protein truncation or nonsense mediated decay in a gene for which loss-of-function is a known mechanism of disease; Observed in individuals with hereditary breast and ovarian cancer (Frank 1998, Foretova 2004, Tai 2007, Kote-Jarai 2011, Becker 2012, Blay 2013, Pritzlaff 2017, Ibrahim 2018); Truncating variants in this gene are considered pathogenic by a well-established clinical consortium and/or database; This variant is associated with the following publications: (PMID: 21952622, 22535016, 9150150, 15024741, 18489799, 28324225, 30715675, 21324516, 23683081, 20104584, 25685387, 26834852, 22729890, 27225637, 27167707, 28008555, 22382806, 28873162, 28503720, 28664449, 28651617, 25085752, 23199084, 29433453, 21232165, 15689453, 9667259, 9585613, 25072261, 18042939, 28831036, 28724667, 29909963, 30720863, 28843361, 30014164, 30702160, 30322717, 30309722, 30257646, 21548014, 15070707, 28726808, 31454914, 26689913, 32318955, 31447099, 29176636, 32581362)

Genetics and Molecular Pathology, SA Pathology
Classification: Pathogenic for Familial cancer of breast. Last evaluated: 2020-05-25. Review status: criteria provided, single submitter. Criteria: ACMG Guidelines, 2015. Collection method: clinical testing. Allele origin: germline. Affected: yes. Not counted in ClinVar's aggregate classification.

Department of Molecular Diagnostics, Institute of Oncology Ljubljana
Classification: Pathogenic for Breast-ovarian cancer, familial, susceptibility to, 1. Last evaluated: 2020-04-02. Review status: criteria provided, single submitter. Criteria: ACMG Guidelines, 2015. Collection method: clinical testing. Allele origin: germline. Affected: yes. Not counted in ClinVar's aggregate classification.

Mendelics
Classification: Pathogenic for Hereditary breast and ovarian cancer syndrome. Last evaluated: 2018-07-02. Review status: criteria provided, single submitter. Criteria: Mendelics Assertion Criteria 2017. Collection method: clinical testing. Allele origin: unknown. Not counted in ClinVar's aggregate classification.

Academic Department of Medical Genetics, University of Cambridge
Classification: Likely pathogenic for Hereditary cancer-predisposing syndrome. Last evaluated: 2018-01-26. Review status: criteria provided, single submitter. Criteria: ACMG Guidelines, 2015. Collection method: research. Allele origin: germline. Affected: yes. Observed: 1 heterozygote. Not counted in ClinVar's aggregate classification.
Comment: Application of AMCG guidelines 2015. Used other ClinVar submission evidence where relevant. Loss of heterozygosity in tumours or immunohistochemistry abnormalities considered functional evidence of pathogenicity.

Identified as part of research study of individuals with multiple primary tumours referred for genetic assessment

Genomic Research Center, Shahid Beheshti University of Medical Sciences
Classification: Pathogenic for Breast-ovarian cancer, familial, susceptibility to, 2. Last evaluated: 2017-12-03. Review status: criteria provided, single submitter. Criteria: ACMG Guidelines, 2015. Collection method: clinical testing. Allele origin: inherited. Affected: yes. Not counted in ClinVar's aggregate classification.

Clinical Genetics and Genomics, Karolinska University Hospital
Classification: Pathogenic. Last evaluated: 2017-11-23. Review status: criteria provided, single submitter. Criteria: ACMG Guidelines, 2015. Collection method: clinical testing. Allele origin: germline. Affected: yes. Observed: 6 variant alleles. Not counted in ClinVar's aggregate classification.

Women's Health and Genetics/Laboratory Corporation of America, LabCorp
Classification: Pathogenic for Hereditary breast and ovarian cancer syndrome. Last evaluated: 2017-10-20. Review status: criteria provided, single submitter. Criteria: LabCorp Variant Classification Summary - May 2015. Collection method: clinical testing. Allele origin: germline. Not counted in ClinVar's aggregate classification.
Comment: Variant summary: The BRCA2 c.1813dupA (p.Ile605AsnfsX11) variant results in a premature termination codon, predicted to cause a truncated or absent BRCA2 protein due to nonsense mediated decay, which are commonly known mechanisms for disease. Truncations downstream of this position have been classified as pathogenic by our laboratory (e.g. c.1842dupT/ p.Asn615X, c.1889delC/ p.Thr630fsX14, etc). One in silico tool predicts a damaging outcome for this variant. This variant was found in 8/227550 control chromosomes at a frequency of 0.0000352, which does not exceed the estimated maximal expected allele frequency of a pathogenic BRCA2 variant (0.0007503). This variant has been reported in numerous affected individuals/families and has been classified this variant as pathogenic by multiple clinical diagnostic laboratories/reputable databases. Functional study showed variant with diminished DNA double strand break repair capacity (Becker_2012). Taken together, this variant is classified as pathogenic.

Human Genome Sequencing Center Clinical Lab, Baylor College of Medicine
Classification: Pathogenic for Breast-ovarian cancer, familial, susceptibility to, 2. Last evaluated: 2017-05-25. Review status: criteria provided, single submitter. Criteria: ACMG Guidelines, 2015. Collection method: clinical testing. Allele origin: germline. Not counted in ClinVar's aggregate classification.
Comment: The c.1813dup (p.Ile605Asnfs*11) variant in the BRCA2 gene has been detected in multiple patients with breast and/or ovarian cancer [referred as 2034insA and 2041insA in PMID 9150150, 21324516, 22535016] and prostate cancer [PMID 21952622].This variant has been reported in four individuals from the ExAC database. This one bp duplication in exon 10 results in a frameshift and the creation of a premature stop codon. This variant is expected to result in a loss of function of the protein. It is thus classified as pathogenic.

Genologica Medica
Classification: Pathogenic for Breast-ovarian cancer, familial, susceptibility to, 2. Last evaluated: 2017-01-01. Review status: criteria provided, single submitter. Criteria: ACMG Guidelines, 2015. Collection method: clinical testing. Allele origin: germline. Affected: yes. Not counted in ClinVar's aggregate classification.

Laboratory for Molecular Medicine, Mass General Brigham Personalized Medicine
Classification: Pathogenic for Hereditary breast ovarian cancer syndrome. Last evaluated: 2016-02-08. Review status: criteria provided, single submitter. Criteria: LMM Criteria. Collection method: clinical testing. Allele origin: germline. Inheritance: Autosomal dominant inheritance. Observed: 3 variant alleles. Not counted in ClinVar's aggregate classification.
Comment: The p.Ile605fs variant in BRCA2 has been reported in >75 individuals with BRCA2- associated cancers (Breast Cancer Information Core (BIC) database), and segregat ed with disease in 7 affected relatives from 1 family (Schubert 1997). This vari ant has also been identified in 3/63362 European chromosomes by the Exome Aggreg ation Consortium (ExAC; dbSNP rs80359306); howev er, this frequency is low enough to be consistent with the frequency of heredita ry breast and ovarian cancer (HBOC) in the general population. The p.Ile605fs va riant is predicted to cause a frameshift, which alters the protein?s amino acid sequence beginning at position 605 and leads to a premature termination codon 11 amino acids downstream. This alteration is then predicted to lead to a truncate d or absent protein. Heterozygous loss of function of the BRCA2 gene is an estab lished disease mechanism for HBOC. In summary, this variant meets our criteria t o be classified as pathogenic for HBOC in an autosomal dominant manner based upo n segregation studies, absence from controls, and predicted impact to protein.

Consortium of Investigators of Modifiers of BRCA1/2 (CIMBA), c/o University of Cambridge
Classification: Pathogenic for Breast-ovarian cancer, familial, susceptibility to, 2. Last evaluated: 2015-10-02. Review status: criteria provided, single submitter. Criteria: CIMBA Mutation Classification guidelines May 2016. Collection method: clinical testing. Allele origin: germline. Not counted in ClinVar's aggregate classification.

Molecular Genetics Laboratory, University of Michigan
Classification: Pathogenic for Breast-ovarian cancer, familial, susceptibility to, 2. Last evaluated: 2014-11-03. Review status: criteria provided, single submitter. Criteria: ACMG Guidelines, 2015. Collection method: clinical testing. Allele origin: germline. Affected: yes. Not counted in ClinVar's aggregate classification.

University of Science and Technology Houari Boumediene, Laboratory of Molecular and Cellular Biology (LBCM)
Classification: Pathogenic for Breast-ovarian cancer, familial, susceptibility to, 2. Review status: criteria provided, single submitter. Criteria: ACMG Guidelines, 2015. Collection method: clinical testing. Allele origin: germline. Inheritance: Autosomal dominant inheritance. Affected: yes. Observed: 1 heterozygote. Not counted in ClinVar's aggregate classification.

BRCAlab, Lund University
Classification: Pathogenic for Breast-ovarian cancer, familial, susceptibility to, 2. Last evaluated: 2022-08-26. Review status: no assertion criteria provided. Collection method: clinical testing. Allele origin: germline. Affected: yes. Not counted in ClinVar's aggregate classification.

Medical Genetics Laboratory, Umraniye Training and Research Hospital, University of Health Sciences
Classification: Likely pathogenic for Breast carcinoma. Last evaluated: 2021-09-12. Review status: no assertion criteria provided. Collection method: clinical testing. Allele origin: germline. Inheritance: Autosomal dominant inheritance. Affected: yes. Observed: 1 heterozygote. Not counted in ClinVar's aggregate classification.

Molecular Oncology, Hospital Universitario Central de Asturias (HUCA)
Classification: Pathogenic for Breast-ovarian cancer, familial, susceptibility to, 2. Last evaluated: 2021-05-24. Review status: no assertion criteria provided. Collection method: case-control. Allele origin: germline. Affected: yes. Not counted in ClinVar's aggregate classification.

CZECANCA consortium
Classification: Pathogenic for Carcinoma of pancreas. Last evaluated: 2021-03-04. Review status: no assertion criteria provided. Collection method: case-control. Allele origin: germline. Affected: yes. Observed: 1 variant allele. Not counted in ClinVar's aggregate classification.

CZECANCA consortium
Classification: Pathogenic for Breast and/or ovarian cancer. Last evaluated: 2019-06-11. Review status: no assertion criteria provided. Collection method: clinical testing. Allele origin: germline. Affected: yes. Observed: 2 variant alleles. Not counted in ClinVar's aggregate classification.

Institute of Human Genetics, Medical University Innsbruck
Classification: Pathogenic for Breast-ovarian cancer, familial 2. Last evaluated: 2015-02-11. Review status: no assertion criteria provided. Criteria: clinical testing. Collection method: clinical testing. Allele origin: germline. Affected: yes. Study: BRCA-Tyrol. Not counted in ClinVar's aggregate classification.
Comment: BRCA-mutation spectrum Western Austria